The following is an entry in ClinVar:

NM_000949.7(PRLR):c.1198G>C (p.Glu400Gln)

Gene: PRLR (prolactin receptor; minus strand). Cytogenetic location: 5p13.2.
Variant type: single nucleotide variant.
Coding change: c.1198G>C on transcript NM_000949.7 (MANE Select); coding-DNA position 1198, G replaced by C.
Protein change: p.Glu400Gln; replaces glutamic acid 400 with glutamine.
Molecular consequence: missense variant. On other transcripts: intron variant (4).
Genome position (GRCh38, 1-based): chr5:35,065,760, C>G on the plus strand (G>C on the coding strand, the complement: PRLR is on the minus strand). VCF-style: chr5-35065760-C-G. GRCh37 (hg19) VCF-style: chr5-35065862-C-G.
Other names: c.895G>C, p.Glu299Gln (NM_001204314.2); c.685+4364G>C (NM_001204318.1); c.855+2456G>C (NM_001204317.1); c.1009+189G>C (NM_001204316.1, NM_001204315.1); short protein forms E400Q, E299Q.
Identifiers: ClinVar variation 4984993 (VCV004984993.1).

ClinVar aggregate classification (germline): Likely benign (1 of 4 stars; one submission).

Conditions:
PRLR-related disorder. Also called: PRLR-related condition.

gnomAD v4.1: 2,764 of 1,613,996 alleles (0.17%); highest among the groups gnomAD compares: Non-Finnish European, 0.21%; 2 homozygotes.

Submission:

PreventionGenetics, part of Exact Sciences
Classification: Likely benign for PRLR-related condition. Last evaluated: 2025-02-26. Review status: criteria provided, single submitter. Criteria: ACMG Guidelines, 2015. Collection method: clinical testing. Allele origin: germline.
Comment: This variant is classified as likely benign based on ACMG/AMP sequence variant interpretation guidelines (Richards et al. 2015 PMID: 25741868, with internal and published modifications).